The following is an entry in ClinVar:

ClinVar aggregate classification (germline): Likely benign (1 of 4 stars; one submission).

Submission:

CeGaT Center for Human Genetics Tuebingen
Classification: Likely benign. Last evaluated: 2023-03-01. Review status: criteria provided, single submitter. Criteria: CeGaT Center For Human Genetics Tuebingen Variant Classification Criteria Version 2. Collection method: clinical testing. Allele origin: germline. Affected: yes. Observed: 1 variant allele.
Comment: SPATA31A2: BP4, BP7

Single allele

Variant type: single nucleotide variant.
Identifiers: ClinVar variation 2659208 (VCV002659208.18), dbSNP rs1556461947, ClinGen allele CA465120222.